The following is an entry in ClinVar:

NM_001365480.1(CCDC88A):c.1360G>A (p.Val454Met)

Gene: CCDC88A (coiled-coil domain containing 88A; minus strand). Cytogenetic location: 2p16.1.
Variant type: single nucleotide variant.
Coding change: c.1360G>A on transcript NM_001365480.1 (MANE Select); coding-DNA position 1360, G replaced by A.
Protein change: p.Val454Met; replaces valine 454 with methionine.
Molecular consequence: missense variant.
Genome position (GRCh38, 1-based): chr2:55,339,622, C>T on the plus strand (G>A on the coding strand, the complement: CCDC88A is on the minus strand). VCF-style: chr2-55339622-C-T. GRCh37 (hg19) VCF-style: chr2-55566758-C-T.
Other names: c.1360G>A, p.Val454Met (NM_001135597.2, NM_001254943.2, NM_018084.5); short protein forms V454M.
Identifiers: ClinVar variation 2067608 (VCV002067608.3), dbSNP rs781532612, ClinGen allele CA1666159.

ClinVar aggregate classification (germline): Uncertain significance (1 of 4 stars; one submission).

Allele frequency attached by ClinVar (database versions not stated): gnomAD exomes below 0.00001; ExAC 0.00001; gnomAD 0.00001.
gnomAD v4.1: 3 of 1,608,420 alleles (0.00019%); highest among the groups gnomAD compares: South Asian, 0.0022%; no homozygotes.

Submission:

Labcorp Genetics (formerly Invitae), Labcorp
Classification: Uncertain significance. Last evaluated: 2022-03-24. Review status: criteria provided, single submitter. Criteria: Invitae Variant Classification Sherloc (09022015). Collection method: clinical testing. Allele origin: germline.
Comment: Algorithms developed to predict the effect of missense changes on protein structure and function are either unavailable or do not agree on the potential impact of this missense change (SIFT: "Deleterious"; PolyPhen-2: "Probably Damaging"; Align-GVGD: "Class C0"). This variant has not been reported in the literature in individuals affected with CCDC88A-related conditions. This variant is present in population databases (rs781532612, gnomAD 0.003%). This sequence change replaces valine, which is neutral and non-polar, with methionine, which is neutral and non-polar, at codon 454 of the CCDC88A protein (p.Val454Met). In summary, the available evidence is currently insufficient to determine the role of this variant in disease. Therefore, it has been classified as a Variant of Uncertain Significance.